The following is an entry in ClinVar:

NM_000383.4(AIRE):c.793G>A (p.Ala265Thr)

Gene: AIRE (autoimmune regulator; plus strand). Cytogenetic location: 21q22.3.
Variant type: single nucleotide variant.
Coding change: c.793G>A on transcript NM_000383.4 (MANE Select); coding-DNA position 793, G replaced by A.
Protein change: p.Ala265Thr; replaces alanine 265 with threonine.
Molecular consequence: missense variant.
Genome position (GRCh38, 1-based): chr21:44,289,797, G>A. VCF-style: chr21-44289797-G-A. GRCh37 (hg19) VCF-style: chr21-45709680-G-A.
Other names: c.793G>A (NM_000383.2); short protein forms A265T.
Identifiers: ClinVar variation 1337433 (VCV001337433.10), dbSNP rs140835367, ClinGen allele CA10051707.

ClinVar aggregate classification (germline): Uncertain significance. Review status: criteria provided, multiple submitters, no conflicts (2 of 4 stars). 4 submissions from 4 submitters: Uncertain significance (3). 1 of the submissions does not count toward it. Last evaluated 2025-10-07.

Conditions:
AIRE-related disorder. Also called: AIRE-related condition.
Inborn genetic diseases. Identifiers: MedGen C0950123, MeSH D030342.
Polyglandular autoimmune syndrome, type 1 (APS1). Also called: HYPOADRENOCORTICISM WITH HYPOPARATHYROIDISM AND SUPERFICIAL MONILIASIS; Whitaker syndrome; AUTOIMMUNE POLYENDOCRINE SYNDROME, TYPE I, WITH OR WITHOUT REVERSIBLE METAPHYSEAL DYSPLASIA; Autoimmune polyendocrine syndrome type 1; Autoimmune polyendocrinopathy syndrome, type I; Autoimmune polyendocrinopathy syndrome , type I, with or without reversible metaphyseal dysplasia. Identifiers: Orphanet 3453, MedGen C0085859, MONDO:0009411, OMIM 240300.

Allele frequency attached by ClinVar (database versions not stated): gnomAD exomes 0.00003; ExAC 0.00004; gnomAD 0.00021 and 0.00024; ESP Exome Variant Server 0.00023; TOPMed 0.00027.
gnomAD v4.1: 75 of 1,612,472 alleles (0.0047%); highest among the groups gnomAD compares: African/African-American, 0.088%; 1 homozygote.

Submissions (4):

Ambry Genetics
Classification: Uncertain significance for Inborn genetic diseases. Last evaluated: 2025-10-07. Review status: criteria provided, single submitter. Criteria: Ambry Variant Classification Scheme 2023. Collection method: clinical testing. Allele origin: germline.

Labcorp Genetics (formerly Invitae), Labcorp
Classification: Uncertain significance for Polyglandular autoimmune syndrome, type 1. Last evaluated: 2025-01-18. Review status: criteria provided, single submitter. Criteria: Invitae Variant Classification Sherloc (09022015). Collection method: clinical testing. Allele origin: germline.
Comment: This sequence change replaces alanine, which is neutral and non-polar, with threonine, which is neutral and polar, at codon 265 of the AIRE protein (p.Ala265Thr). This variant is present in population databases (rs140835367, gnomAD 0.05%). This variant has not been reported in the literature in individuals affected with AIRE-related conditions. ClinVar contains an entry for this variant (Variation ID: 1337433). Invitae Evidence Modeling of protein sequence and biophysical properties (such as structural, functional, and spatial information, amino acid conservation, physicochemical variation, residue mobility, and thermodynamic stability) indicates that this missense variant is not expected to disrupt AIRE protein function with a negative predictive value of 95%. In summary, the available evidence is currently insufficient to determine the role of this variant in disease. Therefore, it has been classified as a Variant of Uncertain Significance.

Genetic Services Laboratory, University of Chicago
Classification: Uncertain significance. Last evaluated: 2019-10-28. Review status: criteria provided, single submitter. Criteria: ACMG Guidelines, 2015. Collection method: clinical testing. Allele origin: germline. Affected: no.

PreventionGenetics, part of Exact Sciences
Classification: Uncertain significance for AIRE-related condition. Last evaluated: 2024-01-30. Review status: no assertion criteria provided. Collection method: clinical testing. Allele origin: germline. Not counted in ClinVar's aggregate classification.
Comment: The AIRE c.793G>A variant is predicted to result in the amino acid substitution p.Ala265Thr. To our knowledge, this variant has not been reported in the literature. This variant is reported in 0.046% of alleles in individuals of African descent in gnomAD. At this time, the clinical significance of this variant is uncertain due to the absence of conclusive functional and genetic evidence.